The following is an entry in ClinVar:

NM_018297.4(NGLY1):c.177del (p.Ala60fs)

Gene: NGLY1 (N-glycanase 1; minus strand). Cytogenetic location: 3p24.2.
Variant type: Deletion.
Coding change: c.177del on transcript NM_018297.4 (MANE Select); coding-DNA position 177, one base deleted (A; older notation c.177delA).
Protein change: p.Ala60fs; shifts the reading frame from alanine 60.
Molecular consequence: frameshift variant.
Genome position (GRCh38, 1-based): chr3:25,778,643, T deleted on the plus strand (A on the coding strand, the reverse complement: NGLY1 is on the minus strand). VCF-style (leftmost placement, unchanged base first): chr3-25778642-CT-C. GRCh37 (hg19) VCF-style: chr3-25820133-CT-C.
Other names: c.177del, p.Ala60fs (NM_001145293.2, NM_001145295.2); c.51del, p.Ala18fs (NM_001145294.2); short protein forms A18fs, A60fs.
Identifiers: ClinVar variation 1072311 (VCV001072311.6), dbSNP rs2125321733, ClinGen allele CA2499216644.

ClinVar aggregate classification (germline): Pathogenic/Likely pathogenic. Review status: criteria provided, multiple submitters, no conflicts (2 of 4 stars). 2 submissions from 2 submitters: Pathogenic (1); Likely pathogenic (1). Last evaluated 2024-05-30.

Conditions:
Congenital disorder of deglycosylation (CDDG). Identifiers: MedGen C3808991, MONDO:0031376.
Congenital disorder of deglycosylation 1. Also called: NGLY1-Related Congenital Disorder of Deglycosylation; NGLY1-deficiency. Identifiers: Orphanet 404454, MedGen CN306977, MONDO:0800044, OMIM 615273.

Submissions (2):

Fulgent Genetics
Classification: Likely pathogenic for Congenital disorder of deglycosylation 1. Last evaluated: 2024-05-30. Review status: criteria provided, single submitter. Criteria: ACMG Guidelines, 2015. Collection method: clinical testing. Allele origin: germline.

Labcorp Genetics (formerly Invitae), Labcorp
Classification: Pathogenic for Congenital disorder of deglycosylation. Last evaluated: 2024-01-31. Review status: criteria provided, single submitter. Criteria: Invitae Variant Classification Sherloc (09022015). Collection method: clinical testing. Allele origin: germline.
Comment: This sequence change creates a premature translational stop signal (p.Ala60Profs*45) in the NGLY1 gene. It is expected to result in an absent or disrupted protein product. Loss-of-function variants in NGLY1 are known to be pathogenic (PMID: 24651605). This variant is not present in population databases (gnomAD no frequency). This variant has not been reported in the literature in individuals affected with NGLY1-related conditions. ClinVar contains an entry for this variant (Variation ID: 1072311). For these reasons, this variant has been classified as Pathogenic.

Literature cited by the submitters: PubMed 24651605 (cited by Labcorp Genetics (formerly Invitae), Labcorp).